The following is an entry in ClinVar:

NM_172250.3(MMAA):c.86A>G (p.His29Arg)

Gene: MMAA (metabolism of cobalamin associated A; plus strand). Cytogenetic location: 4q31.21.
Variant type: single nucleotide variant.
Coding change: c.86A>G on transcript NM_172250.3 (MANE Select); coding-DNA position 86, A replaced by G.
Protein change: p.His29Arg; replaces histidine 29 with arginine.
Molecular consequence: missense variant.
Genome position (GRCh38, 1-based): chr4:145,639,225, A>G. VCF-style: chr4-145639225-A-G. GRCh37 (hg19) VCF-style: chr4-146560377-A-G.
Other names: c.86A>G, p.His29Arg (NM_001375644.1); short protein forms H29R.
Identifiers: ClinVar variation 990263 (VCV000990263.4), dbSNP rs367809749, ClinGen allele CA3095119.

ClinVar aggregate classification (germline): Uncertain significance. Review status: criteria provided, single submitter (1 of 4 stars). 2 submissions from 2 submitters: Uncertain significance (1). 1 of the submissions does not count toward it. Last evaluated 2021-11-03.

Conditions:
Methylmalonic aciduria, cblA type (MACA). Also called: Methylmalonic aciduria, vitamin b12-responsive, due to defect in synthesis of adenosylcobalamin, cbla complementation type; MMA cbl A type; Methylmalonic acidemia cblA type; Methylmalonic aciduria, vitamin B12-responsive; Vitamin B12-responsive methylmalonic acidemia type cblA. Identifiers: Orphanet 28, Orphanet 79310, MedGen C1855109, MONDO:0009613, OMIM 251100.

Allele frequency attached by ClinVar (database versions not stated): gnomAD 0.00001; TOPMed 0.00001; ESP Exome Variant Server 0.00008.
gnomAD v4.1: 2 of 1,613,876 alleles (0.00012%); highest among the groups gnomAD compares: African/African-American, 0.0013%; no homozygotes.

Submissions (2):

Labcorp Genetics (formerly Invitae), Labcorp
Classification: Uncertain significance for Methylmalonic aciduria, cblA type. Last evaluated: 2021-11-03. Review status: criteria provided, single submitter. Criteria: Invitae Variant Classification Sherloc (09022015). Collection method: clinical testing. Allele origin: germline.
Comment: This sequence change replaces histidine, which is basic and polar, with arginine, which is basic and polar, at codon 29 of the MMAA protein (p.His29Arg). This variant is present in population databases (rs367809749, gnomAD 0.007%). This variant has not been reported in the literature in individuals affected with MMAA-related conditions. ClinVar contains an entry for this variant (Variation ID: 990263). Advanced modeling of protein sequence and biophysical properties (such as structural, functional, and spatial information, amino acid conservation, physicochemical variation, residue mobility, and thermodynamic stability) performed at Invitae indicates that this missense variant is not expected to disrupt MMAA protein function. In summary, the available evidence is currently insufficient to determine the role of this variant in disease. Therefore, it has been classified as a Variant of Uncertain Significance.

Natera, Inc.
Classification: Uncertain significance for Methylmalonic aciduria cblA type. Last evaluated: 2020-04-16. Review status: no assertion criteria provided. Collection method: clinical testing. Allele origin: germline. Not counted in ClinVar's aggregate classification.